The following is an entry in ClinVar:

ClinVar aggregate classification (germline): Uncertain significance (1 of 4 stars; one submission).

Submission:

Women's Health and Genetics/Laboratory Corporation of America, LabCorp
Classification: Uncertain significance. Last evaluated: 2025-02-04. Review status: criteria provided, single submitter. Criteria: LabCorp Variant Classification Summary - May 2015. Collection method: clinical testing. Allele origin: germline.
Comment: Variant summary: SCO2 c.334C>G (p.Arg112Gly) results in a non-conservative amino acid change located in the thioredoxin domain (IPR013766) of the encoded protein sequence. Four of five in-silico tools predict a benign effect of the variant on protein function. The variant was absent in 250436 control chromosomes (gnomAD). The available data on variant occurrences in the general population are insufficient to allow any conclusion about variant significance. To our knowledge, no occurrence of c.334C>G in individuals affected with Cardioencephalomyopathy, fatal infantile, due to cytochrome c oxidase deficiency 1 and no experimental evidence demonstrating its impact on protein function have been reported. No submitters have cited clinical-significance assessments for this variant to ClinVar. Based on the evidence outlined above, the variant was classified as uncertain significance.

NM_005138.3(SCO2):c.334C>G (p.Arg112Gly)

Genes: NCAPH2 (non-SMC condensin II complex subunit H2; plus strand), SCO2 (synthesis of cytochrome C oxidase 2; minus strand). Cytogenetic location: 22q13.33.
Variant type: single nucleotide variant.
Coding change: c.334C>G on transcript NM_005138.3 (MANE Select); coding-DNA position 334, C replaced by G.
Protein change: p.Arg112Gly; replaces arginine 112 with glycine.
Molecular consequence: missense variant. On other transcripts: 3 prime UTR variant (2).
Genome position (GRCh38, 1-based): chr22:50,524,078, G>C on the plus strand (C>G on the coding strand, the complement: SCO2 is on the minus strand). VCF-style: chr22-50524078-G-C. GRCh37 (hg19) VCF-style: chr22-50962507-G-C.
Other names: c.*703G>C (NM_001185011.2, NM_152299.4); c.334C>G, p.Arg112Gly (NM_001169109.2, NM_001169110.1, NM_001169111.2); short protein forms R112G.
Identifiers: ClinVar variation 3768775 (VCV003768775.1).
Genomic context (GRCh38, chr22:50,524,078, plus strand): 5'-GAGTGAAGCCAAAGTACATCAGCACCCACTGGCCCCGGAAGTCAGCCTTGCAGCGAGCCC[G>C]GCCTCTGTGATCCAGCAGGTGGAAGTCGCCCTGGCCCACAGCTGCCTGGCGCAGGGCTTC-3'
Protein context (NP_005129.2, residues 102-122): GDFHLLDHRG[Arg112Gly]ARCKADFRGQ